The following is an entry in ClinVar:

NM_004168.4(SDHA):c.51G>A (p.Ala17=)

Gene: SDHA (succinate dehydrogenase complex flavoprotein subunit A; plus strand). Cytogenetic location: 5p15.33.
Variant type: single nucleotide variant.
Coding change: c.51G>A on transcript NM_004168.4 (MANE Select); coding-DNA position 51, G replaced by A.
Protein change: p.Ala17=; no amino-acid change (alanine 17 retained).
Molecular consequence: synonymous variant.
Genome position (GRCh38, 1-based): chr5:218,406, G>A. VCF-style: chr5-218406-G-A. GRCh37 (hg19) VCF-style: chr5-218521-G-A.
Other names: c.51G>A, p.Ala17= (NM_001294332.2, NM_001330758.2).
Identifiers: ClinVar variation 698546 (VCV000698546.28), dbSNP rs764698195, ClinGen allele CA3172690.

ClinVar aggregate classification (germline): Benign/Likely benign. Review status: criteria provided, multiple submitters, no conflicts (2 of 4 stars). 4 submissions from 4 submitters: Benign (1); Likely benign (3). Last evaluated 2025-12-16.

Conditions:
Hereditary cancer-predisposing syndrome. Also called: Tumor predisposition; Neoplastic Syndromes, Hereditary; Hereditary Cancer Syndrome; Hereditary neoplastic syndrome. Identifiers: Orphanet 140162, MedGen C0027672, MeSH D009386, MONDO:0015356.
Neurodegeneration with ataxia and late-onset optic atrophy. Identifiers: MedGen C5543254, MONDO:0031006, OMIM 619259.
Pheochromocytoma/paraganglioma syndrome 5. Also called: Paragangliomas 5; SDHA-Related Hereditary Paraganglioma-Pheochromocytoma Syndrome. Identifiers: Orphanet 29072, MedGen C3279992, MONDO:0013602, OMIM 614165.
Mitochondrial complex II deficiency, nuclear type 1. Also called: SUCCINATE CoQ REDUCTASE DEFICIENCY. Identifiers: Orphanet 3208, MedGen C5700310, MONDO:0100294, OMIM 252011.
Dilated cardiomyopathy 1GG (CMD1GG). Identifiers: Orphanet 154, MedGen C3150898, MONDO:0013339, OMIM 613642.

Allele frequency attached by ClinVar (database versions not stated): ExAC 0.00002; TOPMed 0.00003; gnomAD 0.00004 and 0.00005.

Submissions (4):

Labcorp Genetics (formerly Invitae), Labcorp
Classification: Likely benign for Pheochromocytoma/paraganglioma syndrome 5; Mitochondrial complex II deficiency, nuclear type 1. Last evaluated: 2025-12-16. Review status: criteria provided, single submitter. Criteria: Invitae Variant Classification Sherloc (09022015). Collection method: clinical testing. Allele origin: germline.

Myriad Genetics, Inc.
Classification: Benign for Pheochromocytoma/paraganglioma syndrome 5. Last evaluated: 2025-02-28. Review status: criteria provided, single submitter. Criteria: Myriad Autosomal Dominant, Autosomal Recessive and X-Linked Classification Criteria (2023). Collection method: clinical testing. Allele origin: unknown.
Comment: This variant is considered benign. This variant is a silent/synonymous amino acid change and it is not expected to impact splicing.

Fulgent Genetics
Classification: Likely benign for Mitochondrial complex II deficiency, nuclear type 1; Dilated cardiomyopathy 1GG; Pheochromocytoma/paraganglioma syndrome 5; Neurodegeneration with ataxia and late-onset optic atrophy. Last evaluated: 2021-10-05. Review status: criteria provided, single submitter. Criteria: ACMG Guidelines, 2015. Collection method: clinical testing. Allele origin: unknown.

Ambry Genetics
Classification: Likely benign for Hereditary cancer-predisposing syndrome. Last evaluated: 2018-10-30. Review status: criteria provided, single submitter. Criteria: Ambry Variant Classification Scheme 2023. Collection method: clinical testing. Allele origin: germline.